The following is an entry in ClinVar:

NM_001130438.3(SPTAN1):c.5788C>T (p.Arg1930Cys)

Gene: SPTAN1 (spectrin alpha, non-erythrocytic 1; plus strand). Cytogenetic location: 9q34.11.
Variant type: single nucleotide variant.
Coding change: c.5788C>T on transcript NM_001130438.3 (MANE Select); coding-DNA position 5788, C replaced by T.
Protein change: p.Arg1930Cys; replaces arginine 1930 with cysteine.
Molecular consequence: missense variant.
Genome position (GRCh38, 1-based): chr9:128,621,212, C>T. VCF-style: chr9-128621212-C-T. GRCh37 (hg19) VCF-style: chr9-131383491-C-T.
Other names: c.5713C>T, p.Arg1905Cys (NM_001195532.2); c.5788C>T, p.Arg1930Cys (NM_001363759.2); c.5728C>T, p.Arg1910Cys (NM_001363765.2); c.5773C>T, p.Arg1925Cys (NM_003127.4); short protein forms R1930C, R1905C, R1925C, R1910C.
Identifiers: ClinVar variation 2008833 (VCV002008833.4), dbSNP rs267602137, ClinGen allele CA200403069.

ClinVar aggregate classification (germline): Uncertain significance (1 of 4 stars; one submission).

Conditions:
Early-infantile DEE. Also called: Early infantile epileptic encephalopathy; Ohtahara syndrome; Early infantile epileptic encephalopathy with suppression bursts. Identifiers: Orphanet 1934, MedGen C0393706, MONDO:0800491.

Submission:

Labcorp Genetics (formerly Invitae), Labcorp
Classification: Uncertain significance for Early-infantile DEE. Last evaluated: 2024-10-30. Review status: criteria provided, single submitter. Criteria: Invitae Variant Classification Sherloc (09022015). Collection method: clinical testing. Allele origin: germline.
Comment: This sequence change replaces arginine, which is basic and polar, with cysteine, which is neutral and slightly polar, at codon 1930 of the SPTAN1 protein (p.Arg1930Cys). This variant is not present in population databases (gnomAD no frequency). This variant has not been reported in the literature in individuals affected with SPTAN1-related conditions. ClinVar contains an entry for this variant (Variation ID: 2008833). Invitae Evidence Modeling of protein sequence and biophysical properties (such as structural, functional, and spatial information, amino acid conservation, physicochemical variation, residue mobility, and thermodynamic stability) has been performed for this missense variant. However, the output from this modeling did not meet the statistical confidence thresholds required to predict the impact of this variant on SPTAN1 protein function. In summary, the available evidence is currently insufficient to determine the role of this variant in disease. Therefore, it has been classified as a Variant of Uncertain Significance.